The following is an entry in ClinVar:

ClinVar aggregate classification (germline): Uncertain significance. Review status: criteria provided, multiple submitters, no conflicts (2 of 4 stars). 2 submissions from 2 submitters: Uncertain significance (2). Last evaluated 2024-09-20.

Conditions:
Colorectal cancer, hereditary nonpolyposis, type 7. Identifiers: Orphanet 144, MedGen C1858380, MONDO:0013725, OMIM 614385.

gnomAD v4.1: 21 of 1,614,036 alleles (0.0013%); highest among the groups gnomAD compares: Non-Finnish European, 0.0016%; no homozygotes.

Submissions (2):

Ambry Genetics
Classification: Uncertain significance. Last evaluated: 2024-09-20. Review status: criteria provided, single submitter. Criteria: Ambry Variant Classification Scheme 2023. Collection method: clinical testing. Allele origin: germline.
Comment: The p.P739L variant (also known as c.2216C>T), located in coding exon 1 of the MLH3 gene, results from a C to T substitution at nucleotide position 2216. The proline at codon 739 is replaced by leucine, an amino acid with similar properties. This amino acid position is conserved. In addition, this alteration is predicted to be tolerated by in silico analysis. Since supporting evidence is limited at this time, the clinical significance of this alteration remains unclear.

Labcorp Genetics (formerly Invitae), Labcorp
Classification: Uncertain significance for Colorectal cancer, hereditary nonpolyposis, type 7. Last evaluated: 2021-04-26. Review status: criteria provided, single submitter. Criteria: Invitae Variant Classification Sherloc (09022015). Collection method: clinical testing. Allele origin: germline.
Comment: This variant is not present in population databases (ExAC no frequency). In summary, the available evidence is currently insufficient to determine the role of this variant in disease. Therefore, it has been classified as a Variant of Uncertain Significance. Algorithms developed to predict the effect of missense changes on protein structure and function (SIFT, PolyPhen-2, Align-GVGD) all suggest that this variant is likely to be tolerated, but these predictions have not been confirmed by published functional studies and their clinical significance is uncertain. This variant has not been reported in the literature in individuals with MLH3-related conditions. This sequence change replaces proline with leucine at codon 739 of the MLH3 protein (p.Pro739Leu). The proline residue is weakly conserved and there is a moderate physicochemical difference between proline and leucine.

NM_001040108.2(MLH3):c.2216C>T (p.Pro739Leu)

Gene: MLH3 (mutL homolog 3; minus strand). Cytogenetic location: 14q24.3.
Variant type: single nucleotide variant.
Coding change: c.2216C>T on transcript NM_001040108.2 (MANE Select); coding-DNA position 2216, C replaced by T.
Protein change: p.Pro739Leu; replaces proline 739 with leucine.
Molecular consequence: missense variant.
Genome position (GRCh38, 1-based): chr14:75,047,440, G>A on the plus strand (C>T on the coding strand, the complement: MLH3 is on the minus strand). VCF-style: chr14-75047440-G-A. GRCh37 (hg19) VCF-style: chr14-75514143-G-A.
Other names: c.2216C>T, p.Pro739Leu (NM_014381.3); short protein forms P739L.
Identifiers: ClinVar variation 1478088 (VCV001478088.11), dbSNP rs757038362, ClinGen allele CA390441188.